The following is an entry in ClinVar:

NM_017637.6(BNC2):c.3095A>G (p.Asn1032Ser)

Gene: BNC2 (basonuclin zinc finger protein 2; minus strand). Cytogenetic location: 9p22.3.
Variant type: single nucleotide variant.
Coding change: c.3095A>G on transcript NM_017637.6 (MANE Select); coding-DNA position 3095, A replaced by G.
Protein change: p.Asn1032Ser; replaces asparagine 1032 with serine.
Molecular consequence: missense variant. On other transcripts: 3 prime UTR variant (1).
Genome position (GRCh38, 1-based): chr9:16,419,194, T>C on the plus strand (A>G on the coding strand, the complement: BNC2 is on the minus strand). VCF-style: chr9-16419194-T-C. GRCh37 (hg19) VCF-style: chr9-16419192-T-C.
Other names: c.*439A>G (NM_001317939.2); c.2810A>G, p.Asn937Ser (NM_001317940.2); short protein forms N937S, N1032S.
Identifiers: ClinVar variation 1963561 (VCV001963561.9), dbSNP rs766769136, ClinGen allele CA4995618.
Genomic context (GRCh38, chr9:16,419,194, plus strand): 5'-ACTCTCAGGGTCCCCTTGTTGCTGTACATTTTGTGGCAAATGTTGCACATGATCCCACCA[T>C]TGCTCCCAGACAAGCTGCTGAACATAAGAGATCCTGAAACTTCAGCCCCTAGGCTGCCAG-3'
Protein context (NP_060107.3, residues 1022-1042): SLMFSSLSGS[Asn1032Ser]GGIMCNICHK

ClinVar aggregate classification (germline): Uncertain significance. Review status: criteria provided, multiple submitters, no conflicts (2 of 4 stars). 3 submissions from 3 submitters: Uncertain significance (3). Last evaluated 2025-12-15.

Conditions:
Lower urinary tract obstruction, congenital. Identifiers: MedGen C5231427, MONDO:0032833, OMIM 618612.
Inborn genetic diseases. Identifiers: MedGen C0950123, MeSH D030342.

Allele frequency attached by ClinVar (database versions not stated): ExAC 0.00001; gnomAD 0.00001; gnomAD exomes 0.00001.
gnomAD v4.1: 22 of 1,614,074 alleles (0.0014%); highest among the groups gnomAD compares: South Asian, 0.012%; no homozygotes.

Submissions (3):

Ambry Genetics
Classification: Uncertain significance for Inborn genetic diseases. Last evaluated: 2025-12-15. Review status: criteria provided, single submitter. Criteria: Ambry Variant Classification Scheme 2023. Collection method: clinical testing. Allele origin: germline.

Labcorp Genetics (formerly Invitae), Labcorp
Classification: Uncertain significance. Last evaluated: 2025-06-12. Review status: criteria provided, single submitter. Criteria: Invitae Variant Classification Sherloc (09022015). Collection method: clinical testing. Allele origin: germline.
Comment: This sequence change replaces asparagine, which is neutral and polar, with serine, which is neutral and polar, at codon 1032 of the BNC2 protein (p.Asn1032Ser). This variant is present in population databases (rs766769136, gnomAD 0.003%). This variant has not been reported in the literature in individuals affected with BNC2-related conditions. ClinVar contains an entry for this variant (Variation ID: 1963561). An algorithm developed to predict the effect of missense changes on protein structure and function outputs the following: PolyPhen-2: "Benign". The serine amino acid residue is found in multiple mammalian species, which suggests that this missense change does not adversely affect protein function. In summary, the available evidence is currently insufficient to determine the role of this variant in disease. Therefore, it has been classified as a Variant of Uncertain Significance.

Neuberg Centre For Genomic Medicine, NCGM
Classification: Uncertain significance for Lower urinary tract obstruction, congenital. Last evaluated: 2023-06-02. Review status: criteria provided, single submitter. Criteria: ACMG Guidelines, 2015. Collection method: clinical testing. Allele origin: germline. Inheritance: Autosomal dominant inheritance. Affected: yes.
Comment: The observed missense variant c.3095A>G(p.Asn1032Ser) in the BNC2 gene has not been reported previously as a pathogenic variant nor as a benign variant, to our knowledge. This variant has been reported to the ClinVar database as Uncertain Significance. However no detailsare available for independent assessment. This variant is reported with the allele frequency 0.001% in the gnomAD Exomes. The amino acid Asparagine at position 1032 is changed to a Serine changing protein sequence and it might alter its composition and physico-chemical properties. Computational evidence (Polyphen - Benign, SIFT - Tolerated and MutationTaster - Disease causing) predicts conflicting evidence on protein structure and function for this variant. The residue is conserved by GERP++ and PhyloP across 100 vertebrates. For these reasons, this variant has been classified as Uncertain Significance.